The following is an entry in ClinVar:

ClinVar aggregate classification (germline): Benign. Review status: criteria provided, multiple submitters, no conflicts (2 of 4 stars). 2 submissions from 2 submitters: Benign (2). Last evaluated 2018-06-19.

Allele frequency attached by ClinVar (database versions not stated): gnomAD 0.59572 and 0.59042; 1000 Genomes Project 30x 0.58542; 1000 Genomes Project 0.59046; TOPMed 0.59414; gnomAD exomes 0.65181.

Submissions (2):

GeneDx
Classification: Benign. Last evaluated: 2018-06-19. Review status: criteria provided, single submitter. Criteria: GeneDx Variant Classification (06012015). Collection method: clinical testing. Allele origin: germline. Affected: yes.
Comment: This variant is considered likely benign or benign based on one or more of the following criteria: it is a conservative change, it occurs at a poorly conserved position in the protein, it is predicted to be benign by multiple in silico algorithms, and/or has population frequency not consistent with disease.

Breakthrough Genomics
Classification: Benign. Review status: criteria provided, single submitter. Criteria: ACMG Guidelines, 2015. Collection method: not provided. Allele origin: germline. Inheritance: Autosomal recessive inheritance. Affected: yes.

NM_006158.3(NEFL):c.-374A>G

Gene: NEFL (neurofilament light chain; minus strand). Cytogenetic location: 8p21.2.
Variant type: single nucleotide variant.
Coding change: c.-374A>G on transcript NM_006158.3; 374 bases upstream of the start codon, A replaced by G.
Genome position (GRCh38, 1-based): chr8:24,956,889, T>C on the plus strand (A>G on the coding strand, the complement: NEFL is on the minus strand). VCF-style: chr8-24956889-T-C. GRCh37 (hg19) VCF-style: chr8-24814403-T-C.
Identifiers: ClinVar variation 667514 (VCV000667514.4), dbSNP rs2979687, ClinGen allele CA12756981.